The following is an entry in ClinVar:

NM_014241.4(HACD1):c.251C>T (p.Thr84Ile)

Genes: HACD1 (3-hydroxyacyl-CoA dehydratase 1; minus strand), LOC130003454 (ATAC-STARR-seq lymphoblastoid silent region 2183; plus strand). Cytogenetic location: 10p12.33.
Variant type: single nucleotide variant.
Coding change: c.251C>T on transcript NM_014241.4 (MANE Select); coding-DNA position 251, C replaced by T.
Protein change: p.Thr84Ile; replaces threonine 84 with isoleucine.
Molecular consequence: missense variant.
Genome position (GRCh38, 1-based): chr10:17,617,089, G>A on the plus strand (C>T on the coding strand, the complement: HACD1 is on the minus strand). VCF-style: chr10-17617089-G-A. GRCh37 (hg19) VCF-style: chr10-17659088-G-A.
Other names: short protein forms T84I.
Identifiers: ClinVar variation 1446110 (VCV001446110.6), dbSNP rs1554818162, ClinGen allele CA376207371.

ClinVar aggregate classification (germline): Uncertain significance (1 of 4 stars; one submission).

Allele frequency attached by ClinVar (database versions not stated): TOPMed below 0.00001; gnomAD 0.00001; gnomAD exomes 0.00001.
gnomAD v4.1: 17 of 1,490,076 alleles (0.0011%); highest among the groups gnomAD compares: Non-Finnish European, 0.0015%; no homozygotes.

Submission:

Labcorp Genetics (formerly Invitae), Labcorp
Classification: Uncertain significance. Last evaluated: 2022-07-06. Review status: criteria provided, single submitter. Criteria: Invitae Variant Classification Sherloc (09022015). Collection method: clinical testing. Allele origin: germline.
Comment: ClinVar contains an entry for this variant (Variation ID: 1446110). This variant has not been reported in the literature in individuals affected with HACD1-related conditions. This variant is present in population databases (no rsID available, gnomAD 0.002%). This sequence change replaces threonine, which is neutral and polar, with isoleucine, which is neutral and non-polar, at codon 84 of the HACD1 protein (p.Thr84Ile). Algorithms developed to predict the effect of missense changes on protein structure and function (SIFT, PolyPhen-2, Align-GVGD) all suggest that this variant is likely to be tolerated. In summary, the available evidence is currently insufficient to determine the role of this variant in disease. Therefore, it has been classified as a Variant of Uncertain Significance.